The following is an entry in ClinVar:

ClinVar aggregate classification (germline): Benign. Review status: criteria provided, multiple submitters, no conflicts (2 of 4 stars). 2 submissions from 2 submitters: Benign (2). Last evaluated 2018-01-13.

Conditions:
Sitosterolemia 1. Identifiers: MedGen C2749759, MONDO:0020747, OMIM 210250.

Allele frequency attached by ClinVar (database versions not stated): 1000 Genomes Project 0.27536; gnomAD exomes 0.12795; TOPMed 0.25993; 1000 Genomes Project 30x 0.27951; gnomAD 0.24158 and 0.24225.
gnomAD v4.1: 36,613 of 152,472 alleles (24%); highest among the groups gnomAD compares: African/African-American, 40%; 5,325 homozygotes.

Submissions (2):

Illumina Laboratory Services, Illumina
Classification: Benign for Sitosterolemia 1. Last evaluated: 2018-01-13. Review status: criteria provided, single submitter. Criteria: ICSL Variant Classification Criteria 13 December 2019. Collection method: clinical testing. Allele origin: germline.
Comment: This variant was observed in the ICSL laboratory as part of a predisposition screen in an ostensibly healthy population. It had not been previously curated by ICSL or reported in the Human Gene Mutation Database (HGMD: prior to June 1st, 2018), and was therefore a candidate for classification through an automated scoring system. Utilizing variant allele frequency, disease prevalence and penetrance estimates, and inheritance mode, an automated score was calculated to assess if this variant is too frequent to cause the disease. Based on the score and internal cut-off values, a variant classified as benign is not then subjected to further curation. The score for this variant resulted in a classification of benign for this disease.

Breakthrough Genomics
Classification: Benign. Review status: criteria provided, single submitter. Criteria: ACMG Guidelines, 2015. Collection method: not provided. Allele origin: germline. Inheritance: Autosomal recessive inheritance. Affected: yes.

NM_022436.3(ABCG5):c.*622C>T

Genes: ABCG5 (ATP binding cassette subfamily G member 5; minus strand), DYNC2LI1 (dynein cytoplasmic 2 light intermediate chain 1; plus strand). Cytogenetic location: 2p21.
Variant type: single nucleotide variant.
Coding change: c.*622C>T on transcript NM_022436.3 (MANE Select); 622 bases downstream of the stop codon, C replaced by T.
Molecular consequence: 3 prime UTR variant. On other transcripts: intron variant (2).
Genome position (GRCh38, 1-based): chr2:43,812,494, G>A on the plus strand (C>T on the coding strand, the complement: ABCG5 is on the minus strand). VCF-style: chr2-43812494-G-A. GRCh37 (hg19) VCF-style: chr2-44039633-G-A.
Other names: c.*15+1970G>A (NM_001348913.2, NM_001348912.2).
Identifiers: ClinVar variation 336024 (VCV000336024.8), dbSNP rs4148195, ClinGen allele CA10613343.